The following is an entry in ClinVar:

ClinVar aggregate classification (germline): Pathogenic (1 of 4 stars; one submission).

Submission:

Labcorp Genetics (formerly Invitae), Labcorp
Classification: Pathogenic. Last evaluated: 2025-09-08. Review status: criteria provided, single submitter. Criteria: Invitae Variant Classification Sherloc (09022015). Collection method: clinical testing. Allele origin: germline.
Comment: This sequence change creates a premature translational stop signal (p.Pro111Alafs*76) in the COL13A1 gene. It is expected to result in an absent or disrupted protein product. Loss-of-function variants in COL13A1 are known to be pathogenic (PMID: 26626625). This variant is not present in population databases (gnomAD no frequency). This variant has not been reported in the literature in individuals affected with COL13A1-related conditions. ClinVar contains an entry for this variant (Variation ID: 1455951). For these reasons, this variant has been classified as Pathogenic.

Literature cited by the submitters: PubMed 26626625.

NM_001368882.1(COL13A1):c.330_354del (p.Pro111fs)

Gene: COL13A1 (collagen type XIII alpha 1 chain; plus strand). Cytogenetic location: 10q22.1.
Variant type: Deletion.
Coding change: c.330_354del on transcript NM_001368882.1 (MANE Select); coding-DNA positions 330 to 354, 25 bases deleted (CCCAAAGACATCTCCAGGATGTAAC).
Protein change: p.Pro111fs; shifts the reading frame from proline 111.
Molecular consequence: frameshift variant. On other transcripts: 5 prime UTR variant (1).
Genome position (GRCh38, 1-based): chr10:69,822,404-69,822,428, CCCAAAGACATCTCCAGGATGTAAC deleted; deleting any 25 consecutive bases within chr10:69,822,403-69,822,428 gives the same sequence; the c. name uses the placement nearest the transcript's 3' end. VCF-style (leftmost placement, unchanged base first): chr10-69822402-GCCCCAAAGACATCTCCAGGATGTAA-G. GRCh37 (hg19) VCF-style: chr10-71582158-GCCCCAAAGACATCTCCAGGATGTAA-G.
Other names: c.330_354del, p.Pro111fs (NM_001130103.2, NM_001320951.2, NM_001368883.1 and 11 more transcripts); c.-324_-300del (NM_001368886.1); short protein forms P111fs.
Identifiers: ClinVar variation 1455951 (VCV001455951.6), dbSNP rs2132621652, ClinGen allele CA2573145249.